The following is an entry in ClinVar:

ClinVar aggregate classification (germline): Uncertain significance. Review status: criteria provided, multiple submitters, no conflicts (2 of 4 stars). 3 submissions from 3 submitters: Uncertain significance (3). Last evaluated 2026-01-28.

Conditions:
Houge-Janssens syndrome 1. Also called: Intellectual disability-macrocephaly-hypotonia-behavioral abnormalities syndrome; PPP2R5D-Related Neurodevelopmental Disorder; Hogue-Janssens syndrome 1; INTELLECTUAL DEVELOPMENTAL DISORDER, AUTOSOMAL DOMINANT 35. Identifiers: Orphanet 457279, MedGen C5779996, MONDO:0014602, OMIM 616355.

Allele frequency attached by ClinVar (database versions not stated): gnomAD 0.00001; TOPMed 0.00001.
gnomAD v4.1: 6 of 1,614,004 alleles (0.00037%); highest among the groups gnomAD compares: African/African-American, 0.0013%; no homozygotes.

Submissions (3):

Labcorp Genetics (formerly Invitae), Labcorp
Classification: Uncertain significance. Last evaluated: 2026-01-28. Review status: criteria provided, single submitter. Criteria: Invitae Variant Classification Sherloc (09022015). Collection method: clinical testing. Allele origin: germline.
Comment: This sequence change replaces glycine, which is neutral and non-polar, with alanine, which is neutral and non-polar, at codon 76 of the PPP2R5D protein (p.Gly76Ala). This variant is present in population databases (rs199635607, gnomAD 0.004%). This variant has not been reported in the literature in individuals affected with PPP2R5D-related conditions. ClinVar contains an entry for this variant (Variation ID: 1521609). An algorithm developed to predict the effect of missense changes on protein structure and function (PolyPhen-2) suggests that this variant is likely to be tolerated. In summary, the available evidence is currently insufficient to determine the role of this variant in disease. Therefore, it has been classified as a Variant of Uncertain Significance.

Revvity Omics, Revvity
Classification: Uncertain significance for Houge-Janssens syndrome 1. Last evaluated: 2024-06-17. Review status: criteria provided, single submitter. Criteria: ACMG Guidelines, 2015. Collection method: clinical testing. Allele origin: germline.

CeGaT Center for Human Genetics Tuebingen
Classification: Uncertain significance. Last evaluated: 2023-04-01. Review status: criteria provided, single submitter. Criteria: CeGaT Center For Human Genetics Tuebingen Variant Classification Criteria Version 2. Collection method: clinical testing. Allele origin: germline. Affected: yes. Observed: 2 variant alleles.
Comment: PPP2R5D: PP2

NM_006245.4(PPP2R5D):c.227G>C (p.Gly76Ala)

Gene: PPP2R5D (protein phosphatase 2 regulatory subunit B'delta; plus strand). Cytogenetic location: 6p21.1.
Variant type: single nucleotide variant.
Coding change: c.227G>C on transcript NM_006245.4 (MANE Select); coding-DNA position 227, G replaced by C.
Protein change: p.Gly76Ala; replaces glycine 76 with alanine.
Molecular consequence: missense variant. On other transcripts: 5 prime UTR variant (1), intron variant (1).
Genome position (GRCh38, 1-based): chr6:43,006,584, G>C. VCF-style: chr6-43006584-G-C. GRCh37 (hg19) VCF-style: chr6-42974322-G-C.
Other names: c.-227G>C (NM_001270476.2); c.227G>C, p.Gly76Ala (NM_180976.3); c.28-350G>C (NM_180977.3); short protein forms G76A.
Identifiers: ClinVar variation 1521609 (VCV001521609.32), dbSNP rs199635607, ClinGen allele CA3811777.
Genomic context (GRCh38, chr6:43,006,584, plus strand): 5'-ACAAGCGTCCCAGCAATAGCACGCCGCCCCCCACGCAGCTCAGCAAAATCAAGTACTCAG[G>C]GGGGCCCCAGATTGTCAAGAAGGAGCGACGGCAAAGCTCCTCCCGCTTCAACCTCAGCAA-3'
Protein context (NP_006236.1, residues 66-86): PTQLSKIKYS[Gly76Ala]GPQIVKKERR